The following is an entry in ClinVar:

NM_000719.7(CACNA1C):c.4317C>T (p.Asn1439=)

Gene: CACNA1C (calcium voltage-gated channel subunit alpha1 C; plus strand). Cytogenetic location: 12p13.33.
Variant type: single nucleotide variant.
Coding change: c.4317C>T on transcript NM_000719.7 (MANE Select); coding-DNA position 4317, C replaced by T.
Protein change: p.Asn1439=; no amino-acid change (asparagine 1439 retained).
Molecular consequence: synonymous variant.
Genome position (GRCh38, 1-based): chr12:2,664,909, C>T. VCF-style: chr12-2664909-C-T. GRCh37 (hg19) VCF-style: chr12-2774075-C-T.
Other names: c.4461C>T, p.Asn1487= (NM_001129827.2, NM_199460.4); c.4383C>T, p.Asn1461= (NM_001129829.2); c.4317C>T, p.Asn1439= (NM_001129830.3, NM_001129833.2, NM_001129834.2 and 7 more transcripts); c.4401C>T, p.Asn1467= (NM_001129831.2); c.4377C>T, p.Asn1459= (NM_001129832.2); c.4368C>T, p.Asn1456= (NM_001129836.2); c.4284C>T, p.Asn1428= (NM_001129837.2, NM_001129838.2, NM_001129846.2 and 1 more transcripts); c.4278C>T, p.Asn1426= (NM_001129839.2); and 1 more.
Identifiers: ClinVar variation 379152 (VCV000379152.26), dbSNP rs183192651, ClinGen allele CA6389525.

ClinVar aggregate classification (germline): Benign/Likely benign. Review status: criteria provided, multiple submitters, no conflicts (2 of 4 stars). 7 submissions from 7 submitters: Benign (2); Likely benign (4). 1 of the submissions does not count toward it. Last evaluated 2026-01-17.

Conditions:
Cardiovascular phenotype. Identifiers: MedGen CN230736.
Long QT syndrome (LQTS). Identifiers: MedGen C0023976, MeSH D008133, MONDO:0002442. Disease mechanism: loss of function. Inheritance: Various modes of inheritance.
CACNA1C-related disorder. Also called: CACNA1C-related disorders; CACNA1C-related condition. Identifiers: MONDO:0700321, MedGen CN381092.

Allele frequency attached by ClinVar (database versions not stated): gnomAD exomes 0.00011 and 0.00004; ESP Exome Variant Server 0.00046; gnomAD 0.00058 and 0.00054; 1000 Genomes Project 30x 0.00016; TOPMed 0.00058; ExAC 0.00011; 1000 Genomes Project 0.00020.
gnomAD v4.1: 137 of 1,613,922 alleles (0.0085%); highest among the groups gnomAD compares: African/African-American, 0.17%; no homozygotes.

Submissions (7):

Labcorp Genetics (formerly Invitae), Labcorp
Classification: Likely benign for Long QT syndrome. Last evaluated: 2026-01-17. Review status: criteria provided, single submitter. Criteria: Invitae Variant Classification Sherloc (09022015). Collection method: clinical testing. Allele origin: germline.

Blueprint Genetics
Classification: Likely benign. Last evaluated: 2024-07-11. Review status: criteria provided, single submitter. Criteria: ACMG Guidelines, 2015. Collection method: clinical testing. Allele origin: germline.

ARUP Laboratories, Molecular Genetics and Genomics, ARUP Laboratories
Classification: Likely benign. Last evaluated: 2020-10-01. Review status: criteria provided, single submitter. Criteria: ARUP Molecular Germline Variant Investigation Process 2021. Collection method: clinical testing. Allele origin: germline.

Women's Health and Genetics/Laboratory Corporation of America, LabCorp
Classification: Benign. Last evaluated: 2017-09-18. Review status: criteria provided, single submitter. Criteria: LabCorp Variant Classification Summary - May 2015. Collection method: clinical testing. Allele origin: germline.
Comment: Variant summary: The CACNA1C c.4317C>T (p.Asn1439Asn) variant involves the alteration of a non-conserved nucleotide, resulting in a synonymous change. One in silico tool predicts a damaging outcome for this variant. 5/5 splice prediction tools predict no significant impact on normal splicing. However, these predictions have yet to be confirmed by functional studies. This variant was found in 42/276920 control chromosomes, predominantly observed in the African subpopulation at a frequency of 0.001666 (40/24008). This frequency is about 167 times the estimated maximal expected allele frequency of a pathogenic CACNA1C variant (0.00001), suggesting this is likely a benign polymorphism found primarily in the populations of African origin. In addition, multiple clinical diagnostic laboratories/reputable databases classified this variant as benign/likely benign. The variant of interest has not, to our knowledge, been reported in affected individuals via publications nor evaluated for functional impact by in vivo/vitro studies. Taken together, this variant is classified as benign.

Ambry Genetics
Classification: Likely benign for Cardiovascular phenotype. Last evaluated: 2016-02-29. Review status: criteria provided, single submitter. Criteria: Ambry Variant Classification Scheme 2023. Collection method: clinical testing. Allele origin: germline.

GeneDx
Classification: Benign. Last evaluated: 2015-06-10. Review status: criteria provided, single submitter. Criteria: GeneDx Variant Classification (06012015). Collection method: clinical testing. Allele origin: germline. Affected: yes.
Comment: This variant is considered likely benign or benign based on one or more of the following criteria: it is a conservative change, it occurs at a poorly conserved position in the protein, it is predicted to be benign by multiple in silico algorithms, and/or has population frequency not consistent with disease.

PreventionGenetics, part of Exact Sciences
Classification: Likely benign for CACNA1C-related condition. Last evaluated: 2019-08-09. Review status: no assertion criteria provided. Collection method: clinical testing. Allele origin: germline. Not counted in ClinVar's aggregate classification.
Comment: This variant is classified as likely benign based on ACMG/AMP sequence variant interpretation guidelines (Richards et al. 2015 PMID: 25741868, with internal and published modifications).